The following is an entry in ClinVar:

ClinVar aggregate classification (germline): Uncertain significance (1 of 4 stars; one submission).

Allele frequency attached by ClinVar (database versions not stated): ExAC 0.00002; ESP Exome Variant Server 0.00008; gnomAD exomes 0.00003; TOPMed 0.00003; gnomAD 0.00005; 1000 Genomes Project 30x 0.00016; 1000 Genomes Project 0.00020.
gnomAD v4.1: 50 of 1,613,344 alleles (0.0031%); highest among the groups gnomAD compares: Non-Finnish European, 0.004%; no homozygotes.

Submission:

Labcorp Genetics (formerly Invitae), Labcorp
Classification: Uncertain significance. Last evaluated: 2022-09-16. Review status: criteria provided, single submitter. Criteria: Invitae Variant Classification Sherloc (09022015). Collection method: clinical testing. Allele origin: germline.
Comment: In summary, the available evidence is currently insufficient to determine the role of this variant in disease. Therefore, it has been classified as a Variant of Uncertain Significance. Algorithms developed to predict the effect of missense changes on protein structure and function are either unavailable or do not agree on the potential impact of this missense change (SIFT: "Deleterious"; PolyPhen-2: "Possibly Damaging"; Align-GVGD: "Class C0"). This variant has not been reported in the literature in individuals affected with SPPL2A-related conditions. This variant is present in population databases (rs140685887, gnomAD 0.006%). This sequence change replaces leucine, which is neutral and non-polar, with methionine, which is neutral and non-polar, at codon 457 of the SPPL2A protein (p.Leu457Met).

NM_032802.4(SPPL2A):c.1369C>A (p.Leu457Met)

Gene: SPPL2A (signal peptide peptidase like 2A; minus strand). Cytogenetic location: 15q21.2.
Variant type: single nucleotide variant.
Coding change: c.1369C>A on transcript NM_032802.4 (MANE Select); coding-DNA position 1369, C replaced by A.
Protein change: p.Leu457Met; replaces leucine 457 with methionine.
Molecular consequence: missense variant.
Genome position (GRCh38, 1-based): chr15:50,720,059, G>T on the plus strand (C>A on the coding strand, the complement: SPPL2A is on the minus strand). VCF-style: chr15-50720059-G-T. GRCh37 (hg19) VCF-style: chr15-51012256-G-T.
Other names: short protein forms L457M.
Identifiers: ClinVar variation 2080726 (VCV002080726.4), dbSNP rs140685887, ClinGen allele CA7558203.